The following is an entry in ClinVar:

NM_001291867.2(NHS):c.3274_3276dup (p.Ser1092_Ala1093insSer)

Gene: NHS (NHS actin remodeling regulator; plus strand). Cytogenetic location: Xp22.13.
Variant type: Duplication.
Coding change: c.3274_3276dup on transcript NM_001291867.2 (MANE Select); coding-DNA positions 3274 to 3276, 3 bases duplicated (AGT; older notation c.3274_3276dupAGT).
Protein change: p.Ser1092_Ala1093insSer.
Molecular consequence: inframe insertion.
Genome position (GRCh38, 1-based): chrX:17,727,380-17,727,382, AGT duplicated. VCF-style (leftmost placement, unchanged base first): chrX-17727379-A-AAGT. GRCh37 (hg19) VCF-style: chrX-17745499-A-AAGT.
Other names: c.2743_2745dup, p.Ser915_Ala916insSer (NM_001136024.4); c.2680_2682dup, p.Ser894_Ala895insSer (NM_001291868.2); c.3211_3213dup, p.Ser1071_Ala1072insSer (NM_198270.4).
Identifiers: ClinVar variation 1801866 (VCV001801866.4), dbSNP rs1239574988, ClinGen allele CA640856602.

ClinVar aggregate classification (germline): Uncertain significance. Review status: criteria provided, multiple submitters, no conflicts (2 of 4 stars). 2 submissions from 2 submitters: Uncertain significance (2). Last evaluated 2024-01-25.

Conditions:
Nance-Horan syndrome (NHS). Identifiers: Orphanet 627, MedGen C0796085, MONDO:0010545, OMIM 302350.

Allele frequency attached by ClinVar (database versions not stated): gnomAD exomes below 0.00001; TOPMed below 0.00001.

Submissions (2):

Labcorp Genetics (formerly Invitae), Labcorp
Classification: Uncertain significance for Nance-Horan syndrome. Last evaluated: 2024-01-25. Review status: criteria provided, single submitter. Criteria: Invitae Variant Classification Sherloc (09022015). Collection method: clinical testing. Allele origin: germline.
Comment: This variant, c.3211_3213dup, results in the insertion of 1 amino acid(s) of the NHS protein (p.Ser1071dup), but otherwise preserves the integrity of the reading frame. This variant is present in population databases (no rsID available, gnomAD 0.004%). This variant has not been reported in the literature in individuals affected with NHS-related conditions. ClinVar contains an entry for this variant (Variation ID: 1801866). In summary, the available evidence is currently insufficient to determine the role of this variant in disease. Therefore, it has been classified as a Variant of Uncertain Significance.

GeneDx
Classification: Uncertain significance. Last evaluated: 2022-06-03. Review status: criteria provided, single submitter. Criteria: GeneDx Variant Classification Process June 2021. Collection method: clinical testing. Allele origin: germline. Affected: yes.
Comment: In-frame insertion of 1 amino acid in a non-repeat region; Has not been previously published as pathogenic or benign to our knowledge